The following is an entry in ClinVar:

ClinVar aggregate classification (germline): Uncertain significance (1 of 4 stars; one submission).

Submission:

CeGaT Center for Human Genetics Tuebingen
Classification: Uncertain significance. Last evaluated: 2024-05-01. Review status: criteria provided, single submitter. Criteria: CeGaT Center For Human Genetics Tuebingen Variant Classification Criteria Version 2. Collection method: clinical testing. Allele origin: germline. Affected: yes. Observed: 3 variant alleles.
Comment: PTCH1: PM2, PM4

NM_000264.5(PTCH1):c.2113_2151del (p.Thr705_Asp717del)

Genes: PTCH1 (patched 1; minus strand), LOC100507346 (uncharacterized LOC100507346; plus strand). Cytogenetic location: 9q22.32.
Variant type: Deletion.
Coding change: c.2113_2151del on transcript NM_000264.5 (MANE Select); coding-DNA positions 2113 to 2151, 39 bases deleted.
Protein change: p.Thr705_Asp717del.
Molecular consequence: inframe deletion. On other transcripts: non-coding transcript variant (2).
Genome position (GRCh38, 1-based): chr9:95,468,850-95,468,888, 39 bases deleted; deleting any 39 consecutive bases within chr9:95,468,850-95,468,889 gives the same sequence; the c. name uses the placement nearest the transcript's 3' end. GRCh37 (hg19): chr9:98,231,133-98,231,171.
Other names: c.1915_1953del, p.Thr639_Asp651del (NM_001083602.3); c.2110_2148del, p.Thr704_Asp716del (NM_001083603.3); c.1660_1698del, p.Thr554_Asp566del (NM_001083604.3, NM_001083605.3, NM_001083606.3 and 1 more transcripts); c.1957_1995del, p.Thr653_Asp665del (NM_001354918.2).
Identifiers: ClinVar variation 1176574 (VCV001176574.35), dbSNP rs2118033163, ClinGen allele CA2499220055.